The following is an entry in ClinVar:

NM_014754.3(PTDSS1):c.275C>T (p.Pro92Leu)

Gene: PTDSS1 (phosphatidylserine synthase 1; plus strand). Cytogenetic location: 8q22.1.
Variant type: single nucleotide variant.
Coding change: c.275C>T on transcript NM_014754.3 (MANE Select); coding-DNA position 275, C replaced by T.
Protein change: p.Pro92Leu; replaces proline 92 with leucine.
Molecular consequence: missense variant. On other transcripts: intron variant (1).
Genome position (GRCh38, 1-based): chr8:96,284,112, C>T. VCF-style: chr8-96284112-C-T. GRCh37 (hg19) VCF-style: chr8-97296340-C-T.
Other names: c.3+10722C>T (NM_001290225.2); c.275C>T (NM_014754.1); short protein forms P92L.
Identifiers: ClinVar variation 2582475 (VCV002582475.4), dbSNP rs759816359, ClinGen allele CA181500047.

ClinVar aggregate classification (germline): Uncertain significance. Review status: criteria provided, multiple submitters, no conflicts (2 of 4 stars). 3 submissions from 3 submitters: Uncertain significance (3). Last evaluated 2025-10-21.

Conditions:
Lenz-Majewski hyperostosis syndrome (LMHD). Also called: LENZ-MAJEWSKI SYNDROME; PTDSS1-Related Lenz-Majewski Hyperostotic Dysplasia; Lenz-Majewski hyperostotic dysplasia; Multiple congenital anomalies, mental retardation and progressive skeletal sclerosis; Hyperostotic dwarfism Lenz-Majewski type. Identifiers: Orphanet 2658, MedGen C0432269, MONDO:0007892, OMIM 151050.
Inborn genetic diseases. Identifiers: MedGen C0950123, MeSH D030342.

Allele frequency attached by ClinVar (database versions not stated): gnomAD exomes 0.00001.
gnomAD v4.1: 11 of 1,608,834 alleles (0.00068%); highest among the groups gnomAD compares: South Asian, 0.0033%; no homozygotes.

Submissions (3):

Labcorp Genetics (formerly Invitae), Labcorp
Classification: Uncertain significance. Last evaluated: 2025-10-21. Review status: criteria provided, single submitter. Criteria: Invitae Variant Classification Sherloc (09022015). Collection method: clinical testing. Allele origin: germline.
Comment: This sequence change replaces proline, which is neutral and non-polar, with leucine, which is neutral and non-polar, at codon 92 of the PTDSS1 protein (p.Pro92Leu). This variant is not present in population databases (gnomAD no frequency). This variant has not been reported in the literature in individuals affected with PTDSS1-related conditions. ClinVar contains an entry for this variant (Variation ID: 2582475). Invitae Evidence Modeling of protein sequence and biophysical properties (such as structural, functional, and spatial information, amino acid conservation, physicochemical variation, residue mobility, and thermodynamic stability) indicates that this missense variant is not expected to disrupt PTDSS1 protein function with a negative predictive value of 80%. In summary, the available evidence is currently insufficient to determine the role of this variant in disease. Therefore, it has been classified as a Variant of Uncertain Significance.

Ambry Genetics
Classification: Uncertain significance for Inborn genetic diseases. Last evaluated: 2025-03-27. Review status: criteria provided, single submitter. Criteria: Ambry Variant Classification Scheme 2023. Collection method: clinical testing. Allele origin: germline.

Baylor Genetics
Classification: Uncertain significance for Lenz-Majewski hyperostosis syndrome. Last evaluated: 2023-01-16. Review status: criteria provided, single submitter. Criteria: ACMG Guidelines, 2015. Collection method: clinical testing. Allele origin: unknown.